The following is an entry in ClinVar:

ClinVar aggregate classification (germline): Pathogenic (1 of 4 stars; one submission).

Conditions:
Fetal akinesia deformation sequence 1 (FADS1). Also called: Pena-Shokeir syndrome type I; Fetal akinesia sequence. Identifiers: Orphanet 994, MedGen C1276035, MONDO:0100101, OMIM 208150, HP:0001989.
Congenital myasthenic syndrome 10. Also called: Myasthenia, limb-girdle, familial. Identifiers: Orphanet 590, MedGen C1850792, MONDO:0009690, OMIM 254300.

Submission:

Labcorp Genetics (formerly Invitae), Labcorp
Classification: Pathogenic for Congenital myasthenic syndrome 10; Fetal akinesia deformation sequence 1. Last evaluated: 2024-01-04. Review status: criteria provided, single submitter. Criteria: Invitae Variant Classification Sherloc (09022015). Collection method: clinical testing. Allele origin: germline.
Comment: This variant is a gross deletion of the genomic region encompassing exon(s) 1-2 of the DOK7 gene, which includes the initiator codon. This deletion extends beyond the assayed region for this gene and therefore may encompass additional genes. It is expected to result in an absent or disrupted protein product. Loss-of-function variants in DOK7 are known to be pathogenic (PMID: 16794080, 16917026, 18626973, 19261599). A similar copy number variant has been observed in individual(s) with congenital myasthenic syndrome (PMID: 28508085). For these reasons, this variant has been classified as Pathogenic.

Literature cited by the submitters: PubMed 16794080; PubMed 16917026; PubMed 18626973; PubMed 19261599; PubMed 28508085.

NC_000004.11:g.(?_3465103)_(3465298_?)del

Gene: DOK7 (docking protein 7; plus strand). Cytogenetic location: 4p16.3.
Variant type: Deletion.
Identifiers: ClinVar variation 1459045 (VCV001459045.7).